The following is an entry in ClinVar:

NM_001367624.2(ZNF469):c.4118C>T (p.Pro1373Leu)

Gene: ZNF469 (zinc finger protein 469; plus strand). Cytogenetic location: 16q24.2.
Variant type: single nucleotide variant.
Coding change: c.4118C>T on transcript NM_001367624.2 (MANE Select); coding-DNA position 4118, C replaced by T.
Protein change: p.Pro1373Leu; replaces proline 1373 with leucine.
Molecular consequence: missense variant.
Genome position (GRCh38, 1-based): chr16:88,431,588, C>T. VCF-style: chr16-88431588-C-T. GRCh37 (hg19) VCF-style: chr16-88497996-C-T.
Other names: NM_001127464.1:c.4034C>T; short protein forms P1373L.
Identifiers: ClinVar variation 1909739 (VCV001909739.5), dbSNP rs2507586327, ClinGen allele CA397089458.

ClinVar aggregate classification (germline): Uncertain significance. Review status: criteria provided, multiple submitters, no conflicts (2 of 4 stars). 2 submissions from 2 submitters: Uncertain significance (2). Last evaluated 2025-05-17.

Conditions:
Cardiovascular phenotype. Identifiers: MedGen CN230736.

Allele frequency attached by ClinVar (database versions not stated): gnomAD exomes below 0.00001.
gnomAD v4.1: 1 of 1,550,464 alleles (0.000064%); highest among the groups gnomAD compares: Non-Finnish European, 0.000087%; no homozygotes.

Submissions (2):

Ambry Genetics
Classification: Uncertain significance for Cardiovascular phenotype. Last evaluated: 2025-05-17. Review status: criteria provided, single submitter. Criteria: Ambry Variant Classification Scheme 2023. Collection method: clinical testing. Allele origin: germline.
Comment: The p.P1345L variant (also known as c.4034C>T), located in coding exon 2 of the ZNF469 gene, results from a C to T substitution at nucleotide position 4034. The proline at codon 1345 is replaced by leucine, an amino acid with similar properties. This amino acid position is conserved. In addition, this alteration is predicted to be tolerated by in silico analysis. Based on the available evidence, the clinical significance of this variant remains unclear.

Labcorp Genetics (formerly Invitae), Labcorp
Classification: Uncertain significance. Last evaluated: 2024-10-28. Review status: criteria provided, single submitter. Criteria: Invitae Variant Classification Sherloc (09022015). Collection method: clinical testing. Allele origin: germline.
Comment: This sequence change replaces proline, which is neutral and non-polar, with leucine, which is neutral and non-polar, at codon 1345 of the ZNF469 protein (p.Pro1345Leu). This variant is not present in population databases (gnomAD no frequency). This variant has not been reported in the literature in individuals affected with ZNF469-related conditions. ClinVar contains an entry for this variant (Variation ID: 1909739). An algorithm developed to predict the effect of missense changes on protein structure and function (PolyPhen-2) suggests that this variant is likely to be disruptive. In summary, the available evidence is currently insufficient to determine the role of this variant in disease. Therefore, it has been classified as a Variant of Uncertain Significance.